The following is an entry in ClinVar:

ClinVar aggregate classification (germline): Uncertain significance (1 of 4 stars; one submission).

Allele frequency attached by ClinVar (database versions not stated): gnomAD exomes below 0.00001; ExAC 0.00001.
gnomAD v4.1: 1 of 1,614,132 alleles (0.000062%); highest among the groups gnomAD compares: South Asian, 0.0011%; no homozygotes.

Submission:

CeGaT Center for Human Genetics Tuebingen
Classification: Uncertain significance. Last evaluated: 2024-03-01. Review status: criteria provided, single submitter. Criteria: CeGaT Center For Human Genetics Tuebingen Variant Classification Criteria Version 2. Collection method: clinical testing. Allele origin: germline. Affected: yes. Observed: 1 variant allele.
Comment: HBB: PM2, PS4:Supporting

NM_000518.5(HBB):c.412G>A (p.Val138Met)

Genes: HBB (hemoglobin subunit beta; minus strand), LOC107133510 (origin of replication at HBB; plus strand), LOC110006319 (beta-globin gene 3' regulatory region; plus strand). Cytogenetic location: 11p15.4.
Variant type: single nucleotide variant.
Coding change: c.412G>A on transcript NM_000518.5 (MANE Select); coding-DNA position 412, G replaced by A.
Protein change: p.Val138Met; replaces valine 138 with methionine.
Molecular consequence: missense variant.
Genome position (GRCh38, 1-based): chr11:5,225,630, C>T on the plus strand (G>A on the coding strand, the complement: HBB is on the minus strand). VCF-style: chr11-5225630-C-T. GRCh37 (hg19) VCF-style: chr11-5246860-C-T.
Other names: short protein forms V138M.
Identifiers: ClinVar variation 3067562 (VCV003067562.21), dbSNP rs748704616, ClinGen allele CA5839689.
Genomic context (GRCh38, chr11:5,225,630, plus strand): 5'-ATAGAAATTGGACAGCAAGAAAGCGAGCTTAGTGATACTTGTGGGCCAGGGCATTAGCCA[C>T]ACCAGCCACCACTTTCTGATAGGCAGCCTGCACTGGTGGGGTGAATTCTTTGCCAAAGTG-3'
Protein context (NP_000509.1, residues 128-147): QAAYQKVVAG[Val138Met]ANALAHKYH